The following is an entry in ClinVar:

ClinVar aggregate classification (germline): Pathogenic (1 of 4 stars; one submission).

Conditions:
Primary ciliary dyskinesia. Also called: Ciliary dyskinesia. Identifiers: Orphanet 244, MedGen C0008780, MONDO:0016575, HP:0012265.

Submission:

Labcorp Genetics (formerly Invitae), Labcorp
Classification: Pathogenic for Primary ciliary dyskinesia. Last evaluated: 2022-05-14. Review status: criteria provided, single submitter. Criteria: Invitae Variant Classification Sherloc (09022015). Collection method: clinical testing. Allele origin: germline.
Comment: For these reasons, this variant has been classified as Pathogenic. This variant disrupts a region of the RPGR (ORF15) protein in which other variant(s) (p.Leu1130Lysfs*13) have been determined to be pathogenic (Invitae). This suggests that this is a clinically significant region of the protein, and that variants that disrupt it are likely to be disease-causing. This variant has not been reported in the literature in individuals affected with RPGR (ORF15)-related conditions. The frequency data for this variant in the population databases is considered unreliable, as metrics indicate insufficient coverage at this position in the gnomAD database. This sequence change creates a premature translational stop signal (p.Glu952Glyfs*128) in the RPGR (ORF15) gene. While this is not anticipated to result in nonsense mediated decay, it is expected to disrupt the last 201 amino acid(s) of the RPGR (ORF15) protein.

NM_001034853.2(RPGR):c.2851_2854dup (p.Glu952fs)

Gene: RPGR (retinitis pigmentosa GTPase regulator; minus strand). Cytogenetic location: Xp11.4.
Variant type: Duplication.
Coding change: c.2851_2854dup on transcript NM_001034853.2 (MANE Select); coding-DNA positions 2851 to 2854, 4 bases duplicated (GAGG; older notation c.2851_2854dupGAGG).
Protein change: p.Glu952fs; shifts the reading frame from glutamic acid 952.
Molecular consequence: frameshift variant. On other transcripts: intron variant (8).
Genome position (GRCh38, 1-based): chrX:38,286,145-38,286,148, CCTC duplicated on the plus strand (GAGG on the coding strand, the reverse complement: RPGR is on the minus strand); duplicating any 4 consecutive bases within chrX:38,286,145-38,286,149 gives the same sequence; the c. name uses the placement nearest the transcript's 3' end. VCF-style (leftmost placement, unchanged base first): chrX-38286144-T-TCCTC. GRCh37 (hg19) VCF-style: chrX-38145397-T-TCCTC.
Other names: c.1569+4811_1569+4814dup (NM_001367249.1, NM_001367250.1); c.1902+946_1902+949dup (NM_001367245.1); c.1386+4811_1386+4814dup (NM_001367251.1); c.1719+946_1719+949dup (NM_001367246.1); c.1572+4811_1572+4814dup (NM_001367247.1); c.1905+946_1905+949dup (NM_000328.3); c.1602+4811_1602+4814dup (NM_001367248.1); short protein forms E952fs.
Identifiers: ClinVar variation 1994361 (VCV001994361.4), dbSNP rs2519786021, ClinGen allele CA2580100841.